The following is an entry in ClinVar:

NM_003998.4(NFKB1):c.1115C>A (p.Ser372Ter)

Gene: NFKB1 (nuclear factor kappa B subunit 1; plus strand). Cytogenetic location: 4q24.
Variant type: single nucleotide variant.
Coding change: c.1115C>A on transcript NM_003998.4 (MANE Select); coding-DNA position 1115, C replaced by A.
Protein change: p.Ser372Ter; replaces serine 372 with a stop codon.
Molecular consequence: nonsense.
Genome position (GRCh38, 1-based): chr4:102,593,473, C>A. VCF-style: chr4-102593473-C-A. GRCh37 (hg19) VCF-style: chr4-103514630-C-A.
Other names: c.1112C>A, p.Ser371Ter (NM_001165412.2, NM_001319226.2, NM_001382627.1); c.1115C>A, p.Ser372Ter (NM_001382625.1, NM_001382626.1); c.1073C>A, p.Ser358Ter (NM_001382628.1); short protein forms S358*, S372*, S371*.
Identifiers: ClinVar variation 4732367 (VCV004732367.1).

ClinVar aggregate classification (germline): Pathogenic (1 of 4 stars; one submission).

Submission:

Labcorp Genetics (formerly Invitae), Labcorp
Classification: Pathogenic. Last evaluated: 2025-12-16. Review status: criteria provided, single submitter. Criteria: Invitae Variant Classification Sherloc (09022015). Collection method: clinical testing. Allele origin: germline.
Comment: This sequence change creates a premature translational stop signal (p.Ser372*) in the NFKB1 gene. It is expected to result in an absent or disrupted protein product. Loss-of-function variants in NFKB1 are known to be pathogenic (PMID: 26279205, 29477724). This variant is not present in population databases (gnomAD no frequency). This variant has not been reported in the literature in individuals affected with NFKB1-related conditions. For these reasons, this variant has been classified as Pathogenic.

Literature cited by the submitters: PubMed 26279205; PubMed 29477724.